The following is an entry in ClinVar:

NM_006086.4(TUBB3):c.517C>T (p.Pro173Ser)

Gene: TUBB3 (tubulin beta 3 class III; plus strand). Cytogenetic location: 16q24.3.
Variant type: single nucleotide variant.
Coding change: c.517C>T on transcript NM_006086.4 (MANE Select); coding-DNA position 517, C replaced by T.
Protein change: p.Pro173Ser; replaces proline 173 with serine.
Molecular consequence: missense variant.
Genome position (GRCh38, 1-based): chr16:89,934,968, C>T. VCF-style: chr16-89934968-C-T. GRCh37 (hg19) VCF-style: chr16-90001376-C-T.
Other names: c.301C>T, p.Pro101Ser (NM_001197181.2); short protein forms P173S, P101S.
Identifiers: ClinVar variation 3572780 (VCV003572780.1).

ClinVar aggregate classification (germline): Uncertain significance (1 of 4 stars; one submission).

Submission:

GeneDx
Classification: Uncertain significance. Last evaluated: 2024-07-09. Review status: criteria provided, single submitter. Criteria: GeneDx Variant Classification Process June 2021. Collection method: clinical testing. Allele origin: germline. Affected: yes.
Comment: Not observed at significant frequency in large population cohorts (gnomAD); Missense variants in this gene are a common cause of disease and they are underrepresented in the general population; In silico analysis supports that this missense variant has a deleterious effect on protein structure/function; Has not been previously published as pathogenic or benign to our knowledge; This variant is associated with the following publications: (PMID: 20829227)